The following is an entry in ClinVar:

NM_000136.3(FANCC):c.1161C>A (p.Cys387Ter)

Genes: AOPEP (aminopeptidase O (putative); plus strand), FANCC (FA complementation group C; minus strand). Cytogenetic location: 9q22.32.
Variant type: single nucleotide variant.
Coding change: c.1161C>A on transcript NM_000136.3 (MANE Select); coding-DNA position 1161, C replaced by A.
Protein change: p.Cys387Ter; replaces cysteine 387 with a stop codon.
Molecular consequence: nonsense.
Genome position (GRCh38, 1-based): chr9:95,111,631, G>T on the plus strand (C>A on the coding strand, the complement: FANCC is on the minus strand). VCF-style: chr9-95111631-G-T. GRCh37 (hg19) VCF-style: chr9-97873913-G-T.
Other names: c.1161C>A, p.Cys387Ter (NM_001243743.2, NM_001243744.2); short protein forms C387*.
Identifiers: ClinVar variation 4817543 (VCV004817543.1).

ClinVar aggregate classification (germline): Likely pathogenic (1 of 4 stars; one submission).

Conditions:
Fanconi anemia (FA). Also called: Fanconi's anemia. Identifiers: Orphanet 84, MedGen C0015625, MeSH D005199, MONDO:0019391.

Submission:

Natera, Inc.
Classification: Likely pathogenic for Fanconi anemia. Last evaluated: 2025-06-08. Review status: criteria provided, single submitter. Criteria: Natera Variant Classification Schema (03/2026). Collection method: clinical testing. Allele origin: germline.
Comment: The c.1161C>A variant in FANCC is a nonsense variant predicted to introduce a stop codon at amino acid 387. This variant is expected to result in nonsense mediated decay, truncation, or a dysfunctional protein product. This variant is rare in the general population with a frequency below the threshold expected for the associated phenotype(s). Given the available evidence, this variant is classified as Likely Pathogenic.